The following is an entry in ClinVar:

ClinVar aggregate classification (germline): Uncertain significance (1 of 4 stars; one submission).

Conditions:
Inborn genetic diseases. Identifiers: MedGen C0950123, MeSH D030342.

Submission:

Ambry Genetics
Classification: Uncertain significance for Inborn genetic diseases. Last evaluated: 2024-12-22. Review status: criteria provided, single submitter. Criteria: Ambry Variant Classification Scheme 2023. Collection method: clinical testing. Allele origin: germline.
Comment: The p.V426L variant (also known as c.1276G>T), located in coding exon 6 of the SH2B3 gene, results from a G to T substitution at nucleotide position 1276. The valine at codon 426 is replaced by leucine, an amino acid with highly similar properties. This amino acid position is conserved. In addition, the in silico prediction for this alteration is inconclusive. Based on the available evidence, the clinical significance of this variant remains unclear.

NM_005475.3(SH2B3):c.1276G>T (p.Val426Leu)

Gene: SH2B3 (SH2B adaptor protein 3; plus strand). Cytogenetic location: 12q24.12.
Variant type: single nucleotide variant.
Coding change: c.1276G>T on transcript NM_005475.3 (MANE Select); coding-DNA position 1276, G replaced by T.
Protein change: p.Val426Leu; replaces valine 426 with leucine.
Molecular consequence: missense variant.
Genome position (GRCh38, 1-based): chr12:111,447,695, G>T. VCF-style: chr12-111447695-G-T. GRCh37 (hg19) VCF-style: chr12-111885499-G-T.
Other names: c.670G>T, p.Val224Leu (NM_001291424.1); short protein forms V426L, V224L.
Identifiers: ClinVar variation 3795025 (VCV003795025.1).